The following is an entry in ClinVar:

Single allele

Gene: DMD (dystrophin; minus strand). Cytogenetic location: Xp21.1.
Variant type: Deletion.
Identifiers: ClinVar variation 4849584 (VCV004849584.1).

ClinVar aggregate classification (germline): Likely pathogenic (1 of 4 stars; one submission).

Conditions:
Duchenne muscular dystrophy (DMD). Also called: Duchenne Muscular Dystrophy (DMD); MUSCULAR DYSTROPHY, PSEUDOHYPERTROPHIC PROGRESSIVE, DUCHENNE TYPE. Identifiers: Orphanet 98896, MedGen C0013264, MONDO:0010679, OMIM 310200.

Submission:

Service of Pediatric Gastrohepatology and Metabolic Diseases, University of Medicine of Tirana
Classification: Likely pathogenic for Duchenne muscular dystrophy. Last evaluated: 2026-04-29. Review status: criteria provided, single submitter. Criteria: ACMG Guidelines, 2015. Collection method: clinical testing. Allele origin: germline. Inheritance: X-linked inheritance. Affected: yes. Observed: 1 variant allele.
Comment: The chrX:31704266-31759269 deletion was classified as Likely pathogenic using ACMG/ClinGen CNV/SV 2019 technical standards (PMID:31690835), with ACMG/AMP 2015 considered where applicable. The deletion involves the DMD locus/critical Xp21 region, with pathogenicity supported by gene dosage effect, event size, rarity, and phenotype concordance with Duchenne muscular dystrophy (OMIM:310200).